The following is an entry in ClinVar:

NC_000003.12:g.169764999T>G

Genes: TERC (telomerase RNA component; minus strand), LOC110806306 (telomerase RNA component (TERC) promoter; plus strand). Cytogenetic location: 3q26.2.
Variant type: single nucleotide variant.
Genome position: GRCh38 VCF-style: chr3-169764999-T-G. GRCh37 (hg19) VCF-style: chr3-169482787-T-G.
Identifiers: ClinVar variation 1046350 (VCV001046350.9), dbSNP rs1203113072, ClinGen allele CA436715918.

ClinVar aggregate classification (germline): Uncertain significance (1 of 4 stars; one submission).

Conditions:
Dyskeratosis congenita, autosomal dominant 1 (DKCA1). Also called: Dyskeratosis congenita Scoggins type. Identifiers: Orphanet 1775, MedGen C4551974, MONDO:0007485, OMIM 127550. Inheritance: Variable.

Submission:

Labcorp Genetics (formerly Invitae), Labcorp
Classification: Uncertain significance for Dyskeratosis congenita, autosomal dominant 1. Last evaluated: 2024-04-29. Review status: criteria provided, single submitter. Criteria: Invitae Variant Classification Sherloc (09022015). Collection method: clinical testing. Allele origin: germline.
Comment: This variant occurs in the TERC gene, which encodes an RNA molecule that does not result in a protein product. This variant is not present in population databases (gnomAD no frequency). This variant has not been reported in the literature in individuals affected with TERC-related conditions. ClinVar contains an entry for this variant (Variation ID: 1046350). This variant is located within the template/pseudoknot domain of the TERC RNA component, which is required for RNA or RNP stability (PMID: 15082312, 21844345). This variant is located in a region of TERC in which a significant number of disease causing variants have been reported (PMID: 15082312, 21844345, 21931702). These observations suggest that this may be a clinically significant region. In summary, the available evidence is currently insufficient to determine the role of this variant in disease. Therefore, it has been classified as a Variant of Uncertain Significance.

Literature cited by the submitters: PubMed 15082312; PubMed 21844345; PubMed 21931702.